The following is an entry in ClinVar:

ClinVar aggregate classification (germline): Uncertain significance. Review status: criteria provided, multiple submitters, no conflicts (2 of 4 stars). 3 submissions from 3 submitters: Uncertain significance (3). Last evaluated 2024-04-25.

Conditions:
Cardiovascular phenotype. Identifiers: MedGen CN230736.
Arrhythmogenic cardiomyopathy with wooly hair and keratoderma. Also called: PALMOPLANTAR KERATODERMA WITH LEFT VENTRICULAR CARDIOMYOPATHY AND WOOLLY HAIR; Dilated cardiomyopathy with woolly hair and keratoderma; Carvajal syndrome; Arrhythmogenic cardiomyopathy with woolly hair and keratoderma. Identifiers: Orphanet 65282, MedGen C1854063, MONDO:0011581, OMIM 605676.
Arrhythmogenic right ventricular dysplasia 8 (ARVD8). Also called: Arrhythmogenic Right Ventricular Dysplasia/Cardiomyopathy 8; ARRHYTHMOGENIC RIGHT VENTRICULAR DYSPLASIA, FAMILIAL, 8; ARRHYTHMOGENIC RIGHT VENTRICULAR CARDIOMYOPATHY 8. Identifiers: MedGen C1843896, MONDO:0011831, OMIM 607450.

Allele frequency attached by ClinVar (database versions not stated): TOPMed below 0.00001; gnomAD 0.00001.
gnomAD v4.1: 1 of 1,614,076 alleles (0.000062%); highest among the groups gnomAD compares: Admixed American, 0.0017%; no homozygotes.

Submissions (3):

Ambry Genetics
Classification: Uncertain significance for Cardiovascular phenotype. Last evaluated: 2024-04-25. Review status: criteria provided, single submitter. Criteria: Ambry Variant Classification Scheme 2023. Collection method: clinical testing. Allele origin: germline.
Comment: The p.N1053D variant (also known as c.3157A>G), located in coding exon 23 of the DSP gene, results from an A to G substitution at nucleotide position 3157. The asparagine at codon 1053 is replaced by aspartic acid, an amino acid with highly similar properties. This amino acid position is conserved. In addition, this alteration is predicted to be tolerated by in silico analysis. Based on the available evidence, the clinical significance of this variant remains unclear.

All of Us Research Program, National Institutes of Health
Classification: Uncertain significance for Arrhythmogenic cardiomyopathy with wooly hair and keratoderma. Last evaluated: 2023-08-15. Review status: criteria provided, single submitter. Criteria: ACMG Guidelines, 2015. Collection method: clinical testing. Allele origin: germline. Inheritance: Autosomal dominant inheritance. Observed: 1 variant allele, 1 heterozygote.
Comment: This missense variant replaces asparagine with aspartic acid at codon 1053 of the DSP protein. Computational prediction suggests that this variant may not impact protein structure and function (internally defined REVEL score threshold <= 0.5, PMID: 27666373). To our knowledge, functional studies have not been reported for this variant. This variant has not been reported in individuals affected with DSP-related disorders in the literature. This variant has not been identified in the general population by the Genome Aggregation Database (gnomAD). The available evidence is insufficient to determine the role of this variant in disease conclusively. Therefore, this variant is classified as a Variant of Uncertain Significance.

This study involves interpretation of variants in research participants for the purpose of population health screening. Participant phenotype was not available at the time of variant classification. Additional details can be found in publication PMID: 35346344, PMCID: PMC8962531

Labcorp Genetics (formerly Invitae), Labcorp
Classification: Uncertain significance for Arrhythmogenic cardiomyopathy with wooly hair and keratoderma; Arrhythmogenic right ventricular dysplasia 8. Last evaluated: 2022-06-13. Review status: criteria provided, single submitter. Criteria: Invitae Variant Classification Sherloc (09022015). Collection method: clinical testing. Allele origin: germline.
Comment: In summary, the available evidence is currently insufficient to determine the role of this variant in disease. Therefore, it has been classified as a Variant of Uncertain Significance. Algorithms developed to predict the effect of missense changes on protein structure and function (SIFT, PolyPhen-2, Align-GVGD) all suggest that this variant is likely to be tolerated. This variant has not been reported in the literature in individuals affected with DSP-related conditions. This variant is not present in population databases (gnomAD no frequency). This sequence change replaces asparagine, which is neutral and polar, with aspartic acid, which is acidic and polar, at codon 1053 of the DSP protein (p.Asn1053Asp).

NM_004415.4(DSP):c.3157A>G (p.Asn1053Asp)

Gene: DSP (desmoplakin; plus strand). Cytogenetic location: 6p24.3.
Variant type: single nucleotide variant.
Coding change: c.3157A>G on transcript NM_004415.4 (MANE Select); coding-DNA position 3157, A replaced by G.
Protein change: p.Asn1053Asp; replaces asparagine 1053 with aspartic acid.
Molecular consequence: missense variant.
Genome position (GRCh38, 1-based): chr6:7,579,347, A>G. VCF-style: chr6-7579347-A-G. GRCh37 (hg19) VCF-style: chr6-7579580-A-G.
Other names: c.3157A>G, p.Asn1053Asp (NM_001008844.3, NM_001319034.2); short protein forms N1053D.
Identifiers: ClinVar variation 2200382 (VCV002200382.5), dbSNP rs1759342832, ClinGen allele CA362683151.